The following is an entry in ClinVar:

NM_014946.4(SPAST):c.869A>G (p.Lys290Arg)

Gene: SPAST (spastin; plus strand). Cytogenetic location: 2p22.3.
Variant type: single nucleotide variant.
Coding change: c.869A>G on transcript NM_014946.4 (MANE Select); coding-DNA position 869, A replaced by G.
Protein change: p.Lys290Arg; replaces lysine 290 with arginine.
Molecular consequence: missense variant.
Genome position (GRCh38, 1-based): chr2:32,114,824, A>G. VCF-style: chr2-32114824-A-G. GRCh37 (hg19) VCF-style: chr2-32339893-A-G.
Other names: c.866A>G, p.Lys289Arg (NM_001363823.2); c.770A>G, p.Lys257Arg (NM_001363875.2); c.773A>G, p.Lys258Arg (NM_001377959.1, NM_199436.2); short protein forms K257R, K258R, K289R, K290R.
Identifiers: ClinVar variation 1344070 (VCV001344070.5), dbSNP rs2148733158, ClinGen allele CA346498934.

ClinVar aggregate classification (germline): Conflicting classifications of pathogenicity. Review status: criteria provided, conflicting classifications (1 of 4 stars). 3 submissions from 3 submitters: Likely pathogenic (1); Uncertain significance (2). Last evaluated 2025-11-03.

Conditions:
SPAST-related disorder. Also called: SPAST-related condition.
Hereditary spastic paraplegia 4. Also called: Spastic paraplegia 4, autosomal dominant; Familial spastic paraplegia autosomal dominant 2; Spastic Paraplegia 4. Identifiers: Orphanet 100985, MedGen C1866855, MONDO:0008438, OMIM 182601.
Hereditary spastic paraplegia. Also called: Familial spastic paraparesis. Identifiers: Orphanet 685, MedGen C0037773, MONDO:0019064. Disease mechanism: loss of function.

Submissions (3):

Labcorp Genetics (formerly Invitae), Labcorp
Classification: Uncertain significance for Hereditary spastic paraplegia 4. Last evaluated: 2025-11-03. Review status: criteria provided, single submitter. Criteria: Invitae Variant Classification Sherloc (09022015). Collection method: clinical testing. Allele origin: germline.
Comment: This sequence change replaces lysine, which is basic and polar, with arginine, which is basic and polar, at codon 290 of the SPAST protein (p.Lys290Arg). This variant is not present in population databases (gnomAD no frequency). This missense change has been observed in individual(s) with hereditary spastic paraplegia (PMID: 35487127). ClinVar contains an entry for this variant (Variation ID: 1344070). An algorithm developed to predict the effect of missense changes on protein structure and function (PolyPhen-2) suggests that this variant is likely to be tolerated. Algorithms developed to predict the effect of sequence changes on RNA splicing suggest that this variant may disrupt the consensus splice site. In summary, the available evidence is currently insufficient to determine the role of this variant in disease. Therefore, it has been classified as a Variant of Uncertain Significance.

Blueprint Genetics
Classification: Likely pathogenic for SPAST-related disorders. Last evaluated: 2018-05-27. Review status: criteria provided, single submitter. Criteria: ACMG Guidelines, 2015. Collection method: clinical testing. Allele origin: germline. Affected: yes. Observed: 2 variant alleles.

Genome Diagnostics Laboratory, The Hospital for Sick Children
Classification: Uncertain significance for Hereditary spastic paraplegia. Last evaluated: 2016-12-12. Review status: criteria provided, single submitter. Criteria: ACMG Guidelines, 2015. Collection method: clinical testing. Allele origin: germline. Affected: yes.

Literature cited by the submitters: PubMed 35487127 (cited by Labcorp Genetics (formerly Invitae), Labcorp).